The following is an entry in ClinVar:

NM_024072.4(DDX54):c.1058A>G (p.Tyr353Cys)

Gene: DDX54 (DEAD-box helicase 54; minus strand). Cytogenetic location: 12q24.13.
Variant type: single nucleotide variant.
Coding change: c.1058A>G on transcript NM_024072.4 (MANE Select); coding-DNA position 1058, A replaced by G.
Protein change: p.Tyr353Cys; replaces tyrosine 353 with cysteine.
Molecular consequence: missense variant.
Genome position (GRCh38, 1-based): chr12:113,174,650, T>C on the plus strand (A>G on the coding strand, the complement: DDX54 is on the minus strand). VCF-style: chr12-113174650-T-C. GRCh37 (hg19) VCF-style: chr12-113612455-T-C.
Other names: c.1058A>G, p.Tyr353Cys (NM_001111322.2); short protein forms Y353C.
Identifiers: ClinVar variation 3041644 (VCV003041644.2), dbSNP rs147338699, ClinGen allele CA6803759.

ClinVar aggregate classification (germline): Benign (0 of 4 stars; one submission).

Conditions:
DDX54-related disorder. Also called: DDX54-related condition.

Allele frequency attached by ClinVar (database versions not stated): 1000 Genomes Project 0.00459; 1000 Genomes Project 30x 0.00468; TOPMed 0.00517; ESP Exome Variant Server 0.00546; gnomAD 0.00596; ExAC 0.00814; gnomAD exomes 0.00815.
gnomAD v4.1: 12,727 of 1,611,408 alleles (0.79%); highest among the groups gnomAD compares: South Asian, 2.1%; 83 homozygotes.

Submission:

PreventionGenetics, part of Exact Sciences
Classification: Benign for DDX54-related condition. Last evaluated: 2019-11-16. Review status: no assertion criteria provided. Collection method: clinical testing. Allele origin: germline.
Comment: This variant is classified as benign based on ACMG/AMP sequence variant interpretation guidelines (Richards et al. 2015 PMID: 25741868, with internal and published modifications).